The following is an entry in ClinVar:

ClinVar aggregate classification (germline): Uncertain significance (1 of 4 stars; one submission).

Submission:

Labcorp Genetics (formerly Invitae), Labcorp
Classification: Uncertain significance. Last evaluated: 2024-04-06. Review status: criteria provided, single submitter. Criteria: Invitae Variant Classification Sherloc (09022015). Collection method: clinical testing. Allele origin: germline.
Comment: This sequence change replaces serine, which is neutral and polar, with threonine, which is neutral and polar, at codon 516 of the RUNX2 protein (p.Ser516Thr). This variant is not present in population databases (gnomAD no frequency). This variant has not been reported in the literature in individuals affected with RUNX2-related conditions. Advanced modeling of protein sequence and biophysical properties (such as structural, functional, and spatial information, amino acid conservation, physicochemical variation, residue mobility, and thermodynamic stability) performed at Invitae indicates that this missense variant is not expected to disrupt RUNX2 protein function with a negative predictive value of 80%. In summary, the available evidence is currently insufficient to determine the role of this variant in disease. Therefore, it has been classified as a Variant of Uncertain Significance.

NM_001024630.4(RUNX2):c.1546T>A (p.Ser516Thr)

Gene: RUNX2 (RUNX family transcription factor 2; plus strand). Cytogenetic location: 6p21.1.
Variant type: single nucleotide variant.
Coding change: c.1546T>A on transcript NM_001024630.4 (MANE Select); coding-DNA position 1546, T replaced by A.
Protein change: p.Ser516Thr; replaces serine 516 with threonine.
Molecular consequence: missense variant.
Genome position (GRCh38, 1-based): chr6:45,547,285, T>A. VCF-style: chr6-45547285-T-A. GRCh37 (hg19) VCF-style: chr6-45515022-T-A.
Other names: c.1480T>A, p.Ser494Thr (NM_001015051.4); c.1438T>A, p.Ser480Thr (NM_001278478.2); c.1504T>A, p.Ser502Thr (NM_001369405.1, NM_004348.3); short protein forms S502T, S480T, S494T, S516T.
Identifiers: ClinVar variation 2707515 (VCV002707515.3), dbSNP rs2481025644, ClinGen allele CA363957461.